The following is an entry in ClinVar:

ClinVar aggregate classification (germline): Uncertain significance. Review status: criteria provided, single submitter (1 of 4 stars). 3 submissions from 1 submitter: Uncertain significance (3). Last evaluated 2020-07-10.

Conditions:
Stickler syndrome type 2 (STL2). Also called: STICKLER SYNDROME, TYPE II; COL11A1-Related Stickler Syndrome; STICKLER SYNDROME, BEADED VITREOUS TYPE; STICKLER SYNDROME, VITREOUS TYPE 2. Identifiers: Orphanet 828, Orphanet 90654, MedGen C1858084, MONDO:0011493, OMIM 604841.
Marshall syndrome (MRSHS). Identifiers: Orphanet 560, MedGen C0265235, MONDO:0007949, OMIM 154780.
Hearing loss, autosomal dominant 37. Also called: DEAFNESS, AUTOSOMAL DOMINANT 37. Identifiers: MedGen C4760307, MONDO:0032802, OMIM 618533.

Submissions (3):

New York Genome Center
Classification: Uncertain significance for Hearing loss, autosomal dominant 37. Last evaluated: 2020-07-10. Review status: criteria provided, single submitter. Criteria: NYGC Assertion Criteria 2020. Collection method: clinical testing. Allele origin: inherited. Observed: 1 heterozygote. Study: CSER-NYCKidSeq.
Comment: The inherited heterozygous p.Gly904Val missense variant identified in exon 35 (of 67) of the COL11A1 gene has not been reported in affected individuals in the literature. The variant is absent from the genomAD(v3) database indicating it is an extremely rare allele in the populations represented in gnomAD(v3). The affected residue is highly conserved at the nucleotide as was as at the amino acid level. The p.Gly904Val variant is predicted deleterious by a variety of in silico prediction tools. The variant is located in the last codon of exon 35 and is predicted by in silico tools to alter the normal mRNA splicing. Functional studies are needed to evaluate the potential pathogenicity of this variant. Given the lack of compelling evidence for its pathogenicity and due to its inheritance from an asymptomatic parent, the heterozygous p.Gly904Val missense variant identified in the COL11A1 gene is assessed as a variant of uncertain significance.

New York Genome Center
Classification: Uncertain significance for Marshall syndrome. Last evaluated: 2020-07-10. Review status: criteria provided, single submitter. Criteria: NYGC Assertion Criteria 2020. Collection method: clinical testing. Allele origin: inherited. Observed: 1 heterozygote. Study: CSER-NYCKidSeq.
Comment: the same text as in the submission from New York Genome Center above.

New York Genome Center
Classification: Uncertain significance for Stickler syndrome type 2. Last evaluated: 2020-07-10. Review status: criteria provided, single submitter. Criteria: NYGC Assertion Criteria 2020. Collection method: clinical testing. Allele origin: inherited. Observed: 1 heterozygote. Study: CSER-NYCKidSeq.
Comment: the same text as in the submission from New York Genome Center above.

NM_001854.4(COL11A1):c.2711G>T (p.Gly904Val)

Gene: COL11A1 (collagen type XI alpha 1 chain; minus strand). Cytogenetic location: 1p21.1.
Variant type: single nucleotide variant.
Coding change: c.2711G>T on transcript NM_001854.4 (MANE Select); coding-DNA position 2711, G replaced by T.
Protein change: p.Gly904Val; replaces glycine 904 with valine.
Molecular consequence: missense variant. On other transcripts: non-coding transcript variant (1).
Genome position (GRCh38, 1-based): chr1:102,978,751, C>A on the plus strand (G>T on the coding strand, the complement: COL11A1 is on the minus strand). VCF-style: chr1-102978751-C-A. GRCh37 (hg19) VCF-style: chr1-103444307-C-A.
Other names: c.2594G>T, p.Gly865Val (NM_001190709.2); c.2747G>T, p.Gly916Val (NM_080629.3); c.2363G>T, p.Gly788Val (NM_080630.4); short protein forms G788V, G865V, G904V, G916V.
Identifiers: ClinVar variation 1184316 (VCV001184316.1), dbSNP rs2101679210, ClinGen allele CA341163087.